The following is an entry in ClinVar:

ClinVar aggregate classification (germline): Uncertain significance. Review status: criteria provided, multiple submitters, no conflicts (2 of 4 stars). 2 submissions from 2 submitters: Uncertain significance (2). Last evaluated 2025-01-05.

Conditions:
Cardiovascular phenotype. Identifiers: MedGen CN230736.
Hereditary cancer-predisposing syndrome. Also called: Hereditary neoplastic syndrome; Hereditary Cancer Syndrome; Neoplastic Syndromes, Hereditary; Tumor predisposition. Identifiers: Orphanet 140162, MedGen C0027672, MeSH D009386, MONDO:0015356.
Neurofibromatosis, type 1 (NF1). Also called: Peripheral type neurofibromatosis; Neurofibromatosis, type I; NEUROFIBROMATOSIS, TYPE I, SOMATIC; VON RECKLINGHAUSEN DISEASE. Identifiers: Orphanet 636, MedGen C0027831, MONDO:0018975, OMIM 162200. Disease mechanism: loss of function.

Submissions (2):

Ambry Genetics
Classification: Uncertain significance for Cardiovascular phenotype; Hereditary cancer-predisposing syndrome. Last evaluated: 2025-01-05. Review status: criteria provided, single submitter. Criteria: Ambry Variant Classification Scheme 2023. Collection method: clinical testing. Allele origin: germline.
Comment: The p.P1328S variant (also known as c.3982C>T), located in coding exon 30 of the NF1 gene, results from a C to T substitution at nucleotide position 3982. The proline at codon 1328 is replaced by serine, an amino acid with similar properties. This amino acid position is poorly conserved in available vertebrate species. In addition, this alteration is predicted to be tolerated by in silico analysis. Since supporting evidence is limited at this time, the clinical significance of this alteration remains unclear.

Labcorp Genetics (formerly Invitae), Labcorp
Classification: Uncertain significance for Neurofibromatosis, type 1. Last evaluated: 2023-10-09. Review status: criteria provided, single submitter. Criteria: Invitae Variant Classification Sherloc (09022015). Collection method: clinical testing. Allele origin: germline.
Comment: This sequence change replaces proline, which is neutral and non-polar, with serine, which is neutral and polar, at codon 1328 of the NF1 protein (p.Pro1328Ser). This variant is not present in population databases (gnomAD no frequency). This variant has not been reported in the literature in individuals affected with NF1-related conditions. ClinVar contains an entry for this variant (Variation ID: 1366114). Advanced modeling of protein sequence and biophysical properties (such as structural, functional, and spatial information, amino acid conservation, physicochemical variation, residue mobility, and thermodynamic stability) performed at Invitae indicates that this missense variant is not expected to disrupt NF1 protein function. In summary, the available evidence is currently insufficient to determine the role of this variant in disease. Therefore, it has been classified as a Variant of Uncertain Significance.

NM_001042492.3(NF1):c.3982C>T (p.Pro1328Ser)

Gene: NF1 (neurofibromin 1; plus strand). Cytogenetic location: 17q11.2.
Variant type: single nucleotide variant.
Coding change: c.3982C>T on transcript NM_001042492.3 (MANE Select); coding-DNA position 3982, C replaced by T.
Protein change: p.Pro1328Ser; replaces proline 1328 with serine.
Molecular consequence: missense variant.
Genome position (GRCh38, 1-based): chr17:31,248,991, C>T. VCF-style: chr17-31248991-C-T. GRCh37 (hg19) VCF-style: chr17-29576009-C-T.
Other names: c.3982C>T, p.Pro1328Ser (NM_000267.4); short protein forms P1328S.
Identifiers: ClinVar variation 1366114 (VCV001366114.11), dbSNP rs2151451297, ClinGen allele CA398994822.